The following is an entry in ClinVar:

ClinVar aggregate classification (germline): Conflicting classifications of pathogenicity. Review status: criteria provided, conflicting classifications (1 of 4 stars). 2 submissions from 2 submitters: Uncertain significance (1); Likely benign (1). Last evaluated 2024-08-04.

Conditions:
Pheochromocytoma. Also called: MAX-Related Hereditary Paraganglioma-Pheochromocytoma Syndrome. Identifiers: Orphanet 29072, MedGen C0031511, MONDO:0008233, OMIM 171300, HP:0002666.
Cowden syndrome 3 (CWS3). Identifiers: Orphanet 201, MedGen CN166604, MONDO:0014045.
Carney-Stratakis syndrome. Also called: PARAGANGLIOMA AND GASTROINTESTINAL STROMAL TUMOR. Identifiers: Orphanet 97286, MedGen C1847319, MONDO:0011740, OMIM 606864.
Paragangliomas with sensorineural hearing loss. Identifiers: MedGen C1868633.
Hereditary cancer-predisposing syndrome. Also called: Hereditary Cancer Syndrome; Hereditary neoplastic syndrome; Tumor predisposition; Neoplastic Syndromes, Hereditary. Identifiers: Orphanet 140162, MedGen C0027672, MeSH D009386, MONDO:0015356.

Submissions (2):

Labcorp Genetics (formerly Invitae), Labcorp
Classification: Uncertain significance for Carney-Stratakis syndrome; Paragangliomas with sensorineural hearing loss; Pheochromocytoma; Cowden syndrome 3. Last evaluated: 2024-08-04. Review status: criteria provided, single submitter. Criteria: Invitae Variant Classification Sherloc (09022015). Collection method: clinical testing. Allele origin: germline.
Comment: This sequence change replaces leucine, which is neutral and non-polar, with valine, which is neutral and non-polar, at codon 4 of the SDHD protein (p.Leu4Val). This variant is not present in population databases (gnomAD no frequency). This missense change has been observed in individual(s) with paraganglioma-pheochromocytoma syndromes (PMID: 34906457). ClinVar contains an entry for this variant (Variation ID: 1791975). Advanced modeling of protein sequence and biophysical properties (such as structural, functional, and spatial information, amino acid conservation, physicochemical variation, residue mobility, and thermodynamic stability) performed at Invitae indicates that this missense variant is not expected to disrupt SDHD protein function with a negative predictive value of 95%. In summary, the available evidence is currently insufficient to determine the role of this variant in disease. Therefore, it has been classified as a Variant of Uncertain Significance.

Ambry Genetics
Classification: Likely benign for Hereditary cancer-predisposing syndrome. Last evaluated: 2022-03-28. Review status: criteria provided, single submitter. Criteria: Ambry Variant Classification Scheme 2023. Collection method: clinical testing. Allele origin: germline.

Literature cited by the submitters: PubMed 34906457 (cited by Labcorp Genetics (formerly Invitae), Labcorp).

NM_003002.4(SDHD):c.10C>G (p.Leu4Val)

Genes: SDHD (succinate dehydrogenase complex subunit D; plus strand), LOC126861339 (BRD4-independent group 4 enhancer GRCh37_chr11:111957035-111958234; plus strand). Cytogenetic location: 11q23.1.
Variant type: single nucleotide variant.
Coding change: c.10C>G on transcript NM_003002.4 (MANE Select); coding-DNA position 10, C replaced by G.
Protein change: p.Leu4Val; replaces leucine 4 with valine.
Molecular consequence: missense variant. On other transcripts: non-coding transcript variant (1).
Genome position (GRCh38, 1-based): chr11:112,086,917, C>G. VCF-style: chr11-112086917-C-G. GRCh37 (hg19) VCF-style: chr11-111957641-C-G.
Other names: c.10C>G, p.Leu4Val (NM_001276503.2, NM_001276504.2, NM_001276506.2); short protein forms L4V.
Identifiers: ClinVar variation 1791975 (VCV001791975.4), dbSNP rs1032016970, ClinGen allele CA382616632.
Genomic context (GRCh38, chr11:112,086,917, plus strand): 5'-TCGCCTAAGTGGTTCCGGGTTGGTGGATGACCTTGAGCCCTCAGGAACGAGATGGCGGTT[C>G]TCTGGAGGCTGAGTGCCGTTTGCGGTGCCCTAGGAGGCCGAGGTGAGGGGTCTTCCCACC-3'
Protein context (NP_002993.1, residues 1-14): MAV[Leu4Val]WRLSAVCGAL